The following is an entry in ClinVar:

NM_004609.4(TCF15):c.105C>T (p.Asp35=)

Gene: TCF15 (transcription factor 15; minus strand). Cytogenetic location: 20p13.
Variant type: single nucleotide variant.
Coding change: c.105C>T on transcript NM_004609.4 (MANE Select); coding-DNA position 105, C replaced by T.
Protein change: p.Asp35=; no amino-acid change (aspartic acid 35 retained).
Molecular consequence: synonymous variant.
Genome position (GRCh38, 1-based): chr20:610,133, G>A on the plus strand (C>T on the coding strand, the complement: TCF15 is on the minus strand). VCF-style: chr20-610133-G-A. GRCh37 (hg19) VCF-style: chr20-590777-G-A.
Identifiers: ClinVar variation 4872823 (VCV004872823.2).

ClinVar aggregate classification (germline): Likely benign (1 of 4 stars; one submission).

Submission:

CeGaT Center for Human Genetics Tuebingen
Classification: Likely benign. Last evaluated: 2026-05-01. Review status: criteria provided, single submitter. Criteria: CeGaT Center For Human Genetics Tuebingen Variant Classification Criteria Version 2. Collection method: clinical testing. Allele origin: germline. Affected: yes. Observed: 1 variant allele.
Comment: TCF15: PM2:Supporting, BP4, BP7